The following is an entry in ClinVar:

NM_017696.3(MCM9):c.2144A>T (p.Asp715Val)

Gene: MCM9 (minichromosome maintenance 9 homologous recombination repair factor; minus strand). Cytogenetic location: 6q22.31.
Variant type: single nucleotide variant.
Coding change: c.2144A>T on transcript NM_017696.3 (MANE Select); coding-DNA position 2144, A replaced by T.
Protein change: p.Asp715Val; replaces aspartic acid 715 with valine.
Molecular consequence: missense variant. On other transcripts: 3 prime UTR variant (4), non-coding transcript variant (1).
Genome position (GRCh38, 1-based): chr6:118,816,112, T>A on the plus strand (A>T on the coding strand, the complement: MCM9 is on the minus strand). VCF-style: chr6-118816112-T-A. GRCh37 (hg19) VCF-style: chr6-119137275-T-A.
Other names: c.2144A>T, p.Asp715Val (NM_001378356.1, NM_001378357.1); c.*51A>T (NM_001378359.1, NM_001378360.1, NM_001378366.1 and 1 more transcripts); c.1940A>T, p.Asp647Val (NM_001378364.1); short protein forms D647V, D715V.
Identifiers: ClinVar variation 3352163 (VCV003352163.14).
Genomic context (GRCh38, chr6:118,816,112, plus strand): 5'-TTGTGCTGAGCTGAATGTTTCCTACTTGTTGATCTATTAGGCTCCAGATGCGGTGGGGGA[T>A]CTAGAACTGGGCTTCCCTCGGGGCTGCCTCCAGGAGAGAAGATATGTGTGCTATAGTTGA-3'
Protein context (NP_060166.2, residues 705-725): GGSPEGSPVL[Asp715Val]PPPHLEPNRS

ClinVar aggregate classification (germline): Likely benign. Review status: criteria provided, single submitter (1 of 4 stars). 2 submissions from 2 submitters: Likely benign (1). 1 of the submissions does not count toward it. Last evaluated 2025-07-01.

Conditions:
MCM9-related disorder. Also called: MCM9-related condition.

Submissions (2):

CeGaT Center for Human Genetics Tuebingen
Classification: Likely benign. Last evaluated: 2025-07-01. Review status: criteria provided, single submitter. Criteria: CeGaT Center For Human Genetics Tuebingen Variant Classification Criteria Version 2. Collection method: clinical testing. Allele origin: germline. Affected: yes. Observed: 2 variant alleles.
Comment: MCM9: BP4

PreventionGenetics, part of Exact Sciences
Classification: Likely benign for MCM9-related condition. Last evaluated: 2024-09-03. Review status: no assertion criteria provided. Collection method: clinical testing. Allele origin: germline. Not counted in ClinVar's aggregate classification.
Comment: This variant is classified as likely benign based on ACMG/AMP sequence variant interpretation guidelines (Richards et al. 2015 PMID: 25741868, with internal and published modifications).